The following is an entry in ClinVar:

NM_031206.7(LAS1L):c.1570C>T (p.Pro524Ser)

Gene: LAS1L (LAS1 like ribosome biogenesis factor; minus strand). Cytogenetic location: Xq12.
Variant type: single nucleotide variant.
Coding change: c.1570C>T on transcript NM_031206.7 (MANE Select); coding-DNA position 1570, C replaced by T.
Protein change: p.Pro524Ser; replaces proline 524 with serine.
Molecular consequence: missense variant. On other transcripts: non-coding transcript variant (1).
Genome position (GRCh38, 1-based): chrX:65,518,344, G>A on the plus strand (C>T on the coding strand, the complement: LAS1L is on the minus strand). VCF-style: chrX-65518344-G-A. GRCh37 (hg19) VCF-style: chrX-64738224-G-A.
Other names: c.1519C>T, p.Pro507Ser (NM_001170649.2, NM_001375333.1); c.1393C>T, p.Pro465Ser (NM_001170650.2); c.1570C>T, p.Pro524Ser (NM_001375328.1); c.613C>T, p.Pro205Ser (NM_001375332.1); short protein forms P205S, P465S, P507S, P524S.
Identifiers: ClinVar variation 3390589 (VCV003390589.1).

ClinVar aggregate classification (germline): Uncertain significance (1 of 4 stars; one submission).

Submission:

GeneDx
Classification: Uncertain significance. Last evaluated: 2024-06-12. Review status: criteria provided, single submitter. Criteria: GeneDx Variant Classification Process June 2021. Collection method: clinical testing. Allele origin: germline. Affected: yes.
Comment: Has not been previously published as pathogenic or benign to our knowledge; Not observed at significant frequency in large population cohorts (gnomAD); In silico analysis indicates that this missense variant does not alter protein structure/function